The following is an entry in ClinVar:

ClinVar aggregate classification (germline): Uncertain significance (1 of 4 stars; one submission).

Submission:

Dasa
Classification: Uncertain significance. Last evaluated: 2025-06-17. Review status: criteria provided, single submitter. Criteria: DASA Assertion Criteria. Collection method: clinical testing. Allele origin: germline.
Comment: NM_001012338.3(NTRK3):c.1972del (p.His658Thrfs*35) is a frameshift variant in NTRK3 predicted to alter the reading frame and introduce a premature termination codon. This variant is absent from population databases. The currently available literature and clinical evidence are not sufficient to establish a definitive association between this variant and the reported condition. Therefore, this variant is classified as a variant of uncertain significance.

NM_001012338.3(NTRK3):c.1972del (p.His658fs)

Gene: NTRK3 (neurotrophic receptor tyrosine kinase 3; minus strand). Cytogenetic location: 15q25.3.
Variant type: Deletion.
Coding change: c.1972del on transcript NM_001012338.3 (MANE Select); coding-DNA position 1972, one base deleted (C; older notation c.1972delC).
Protein change: p.His658fs; shifts the reading frame from histidine 658.
Molecular consequence: frameshift variant.
Genome position (GRCh38, 1-based): chr15:87,929,352, G deleted on the plus strand (C on the coding strand, the reverse complement: NTRK3 is on the minus strand); the first of 2 consecutive G bases (chr15:87,929,352-87,929,353); deleting either gives the same sequence. VCF-style (leftmost placement, unchanged base first): chr15-87929351-TG-T. GRCh37 (hg19) VCF-style: chr15-88472582-TG-T.
Other names: c.1948del, p.His650fs (NM_001243101.2, NM_001375812.1); c.1678del, p.His560fs (NM_001320135.2); c.1972del, p.His658fs (NM_001375810.1, NM_001375811.1, NM_002530.4); short protein forms H560fs, H650fs, H658fs.
Identifiers: ClinVar variation 4886283 (VCV004886283.2).